The following is an entry in ClinVar:

ClinVar aggregate classification (germline): Pathogenic (1 of 4 stars; one submission).

Submission:

GeneDx
Classification: Pathogenic. Last evaluated: 2015-01-02. Review status: criteria provided, single submitter. Criteria: GeneDx Variant Classification (06012015). Collection method: clinical testing. Allele origin: germline. Affected: yes.
Comment: c.3738dupC: p.Thr1247HisfsX75 (T1247HfsX75) in exon 31 of the TSC2 gene (NM_000548.3). The normal sequence with the base that is duplicated in braces is: GGGA{C}ACAG. The c.3738dupC mutation in the TSC2 gene causes a frameshift starting with codon Threonine 1247, changes this amino acid to a Histidine residue and creates a premature Stop codon at position 75 of the new reading frame, denoted p.T1247HfsX75. This mutation is predicted to cause loss of normal protein function either through protein truncation or nonsense-mediated mRNA decay. It was not observed in approximately 6,500 individuals of European and African American ancestry in the NHLBI Exome Sequencing Project, indicating it is not a common benign variant in these populations. Additionally, other frameshift mutations in nearby residues have been reported in association with tuberous sclerosis, supporting the functional importance of this region of the protein. The c.3738dupC mutation has not been previously reported to our knowledge. The variant is found in EPILEPSY panel(s).

NM_000548.5(TSC2):c.3738dup (p.Thr1247fs)

Gene: TSC2 (TSC complex subunit 2; plus strand). Cytogenetic location: 16p13.3.
Variant type: Duplication.
Coding change: c.3738dup on transcript NM_000548.5 (MANE Select); coding-DNA position 3738, one base duplicated (C; older notation c.3738dupC).
Protein change: p.Thr1247fs; shifts the reading frame from threonine 1247.
Molecular consequence: frameshift variant.
Genome position (GRCh38, 1-based): chr16:2,081,722, C duplicated. VCF-style (leftmost placement, unchanged base first): chr16-2081721-A-AC. GRCh37 (hg19) VCF-style: chr16-2131722-A-AC.
Other names: c.3606dup, p.Thr1203fs (NM_001077183.3, NM_001370404.1); c.3738dup, p.Thr1247fs (NM_001114382.3); c.3498dup, p.Thr1167fs (NM_001318827.2); c.3462dup, p.Thr1155fs (NM_001318829.2); c.3006dup, p.Thr1003fs (NM_001318831.2); c.3639dup, p.Thr1214fs (NM_001318832.2); c.3609dup, p.Thr1204fs (NM_001363528.2, NM_001370405.1, NM_021055.3); short protein forms T1155fs, T1204fs, T1167fs, T1203fs, T1214fs, T1247fs, T1003fs.
Identifiers: ClinVar variation 207776 (VCV000207776.1), dbSNP rs796053506, ClinGen allele CA319577.
Genomic context (GRCh38, chr16:2,081,721, plus strand): 5'-TGCCCCTGCAGGAGCTGTCTAACGCCCTCATGGCGGCTGAGCGCTTCAAGGAGCACCGGG[A>AC]CACAGCCCTGTACAAGTCACTGTCGGTGCCGGCAGCCAGCACGGCCAAACCCCCTCCTCT-3'